The following is an entry in ClinVar:

NM_016216.4(DBR1):c.404G>A (p.Gly135Asp)

Gene: DBR1 (debranching RNA lariats 1; minus strand). Cytogenetic location: 3q22.3.
Variant type: single nucleotide variant.
Coding change: c.404G>A on transcript NM_016216.4 (MANE Select); coding-DNA position 404, G replaced by A.
Protein change: p.Gly135Asp; replaces glycine 135 with aspartic acid.
Molecular consequence: missense variant.
Genome position (GRCh38, 1-based): chr3:138,170,192, C>T on the plus strand (G>A on the coding strand, the complement: DBR1 is on the minus strand). VCF-style: chr3-138170192-C-T. GRCh37 (hg19) VCF-style: chr3-137889034-C-T.
Other names: short protein forms G135D.
Identifiers: ClinVar variation 1978170 (VCV001978170.2), dbSNP rs1156294933, ClinGen allele CA354677014.

ClinVar aggregate classification (germline): Uncertain significance (1 of 4 stars; one submission).

Allele frequency attached by ClinVar (database versions not stated): gnomAD exomes 0.00001.
gnomAD v4.1: 9 of 1,571,658 alleles (0.00057%); highest among the groups gnomAD compares: Non-Finnish European, 0.00078%; no homozygotes.

Submission:

Labcorp Genetics (formerly Invitae), Labcorp
Classification: Uncertain significance. Last evaluated: 2022-02-24. Review status: criteria provided, single submitter. Criteria: Invitae Variant Classification Sherloc (09022015). Collection method: clinical testing. Allele origin: germline.
Comment: This sequence change replaces glycine, which is neutral and non-polar, with aspartic acid, which is acidic and polar, at codon 135 of the DBR1 protein (p.Gly135Asp). This variant is present in population databases (no rsID available, gnomAD 0.0009%). This variant has not been reported in the literature in individuals affected with DBR1-related conditions. Algorithms developed to predict the effect of missense changes on protein structure and function are either unavailable or do not agree on the potential impact of this missense change (SIFT: "Deleterious"; PolyPhen-2: "Probably Damaging"; Align-GVGD: "Class C0"). Algorithms developed to predict the effect of sequence changes on RNA splicing suggest that this variant may disrupt the consensus splice site. In summary, the available evidence is currently insufficient to determine the role of this variant in disease. Therefore, it has been classified as a Variant of Uncertain Significance.